The following is an entry in ClinVar:

ClinVar aggregate classification (germline): Uncertain significance (1 of 4 stars; one submission).

Conditions:
Autosomal recessive limb-girdle muscular dystrophy type 2J (LGMDR10). Also called: Limb-girdle muscular dystrophy, type 2J; MUSCULAR DYSTROPHY, LIMB-GIRDLE, AUTOSOMAL RECESSIVE 10. Identifiers: Orphanet 140922, MedGen C1837342, MONDO:0012127, OMIM 608807.
Dilated cardiomyopathy 1G (CMD1G). Identifiers: Orphanet 154, MedGen C1858763, MONDO:0011400, OMIM 604145.

gnomAD v4.1: 1 of 1,613,950 alleles (0.000062%); highest among the groups gnomAD compares: Non-Finnish European, 0.000085%; no homozygotes.

Submission:

Labcorp Genetics (formerly Invitae), Labcorp
Classification: Uncertain significance for Dilated cardiomyopathy 1G; Autosomal recessive limb-girdle muscular dystrophy type 2J. Last evaluated: 2024-10-02. Review status: criteria provided, single submitter. Criteria: Invitae Variant Classification Sherloc (09022015). Collection method: clinical testing. Allele origin: germline.
Comment: This sequence change replaces leucine, which is neutral and non-polar, with valine, which is neutral and non-polar, at codon 34264 of the TTN protein (p.Leu34264Val). This variant is not present in population databases (gnomAD no frequency). This variant has not been reported in the literature in individuals affected with TTN-related conditions. Experimental studies and prediction algorithms are not available or were not evaluated, and the functional significance of this variant is currently unknown. This variant is located in the M band of TTN (PMID: 25589632). Non-truncating variants in this region may be relevant for neuromuscular disorders, but have not been definitively shown to cause cardiomyopathy (PMID: 23975875). In summary, the available evidence is currently insufficient to determine the role of this variant in disease. Therefore, it has been classified as a Variant of Uncertain Significance.

Literature cited by the submitters: PubMed 25589632; PubMed 23975875.

NM_001267550.2(TTN):c.102790C>G (p.Leu34264Val)

Genes: TTN-AS1 (TTN antisense RNA 1; plus strand), TTN (titin; minus strand). Cytogenetic location: 2q31.2.
Variant type: single nucleotide variant.
Coding change: c.102790C>G on transcript NM_001267550.2 (MANE Select); coding-DNA position 102790, C replaced by G.
Protein change: p.Leu34264Val; replaces leucine 34264 with valine.
Molecular consequence: missense variant.
Genome position (GRCh38, 1-based): chr2:178,533,825, G>C on the plus strand (C>G on the coding strand, the complement: TTN is on the minus strand). VCF-style: chr2-178533825-G-C. GRCh37 (hg19) VCF-style: chr2-179398552-G-C.
Other names: c.97867C>G, p.Leu32623Val (NM_001256850.1); c.75595C>G, p.Leu25199Val (NM_003319.4); c.95086C>G, p.Leu31696Val (NM_133378.4); c.75970C>G, p.Leu25324Val (NM_133432.3); c.76171C>G, p.Leu25391Val (NM_133437.4); short protein forms L25199V, L25324V, L25391V, L31696V, L32623V, L34264V.
Identifiers: ClinVar variation 3751427 (VCV003751427.2).